The following is an entry in ClinVar:

NM_000199.5(SGSH):c.688C>T (p.Pro230Ser)

Gene: SGSH (N-sulfoglucosamine sulfohydrolase; minus strand). Cytogenetic location: 17q25.3.
Variant type: single nucleotide variant.
Coding change: c.688C>T on transcript NM_000199.5 (MANE Select); coding-DNA position 688, C replaced by T.
Protein change: p.Pro230Ser; replaces proline 230 with serine.
Molecular consequence: missense variant. On other transcripts: non-coding transcript variant (1).
Genome position (GRCh38, 1-based): chr17:80,213,861, G>A on the plus strand (C>T on the coding strand, the complement: SGSH is on the minus strand). VCF-style: chr17-80213861-G-A. GRCh37 (hg19) VCF-style: chr17-78187660-G-A.
Other names: c.688C>T, p.Pro230Ser (NM_001352921.3, NM_001352922.2); short protein forms P230S.
Identifiers: ClinVar variation 571636 (VCV000571636.12), dbSNP rs756437160, ClinGen allele CA8817839.

ClinVar aggregate classification (germline): Uncertain significance. Review status: criteria provided, multiple submitters, no conflicts (2 of 4 stars). 3 submissions from 3 submitters: Uncertain significance (2). 1 of the submissions does not count toward it. Last evaluated 2022-02-22.

Conditions:
Mucopolysaccharidosis, MPS-III-A (MPS3A). Also called: Mucopolysaccharidosis, type IIIA; MPS IIIA (Sanfilippo Syndrome Type A); MPS III A; SANFILIPPO SYNDROME A; SULFAMIDASE DEFICIENCY; Mucopolysaccharidosis type IIIA (Sanfilippo A). Identifiers: Orphanet 581, Orphanet 79269, MedGen C0086647, MONDO:0009655, OMIM 252900.

Allele frequency attached by ClinVar (database versions not stated): gnomAD 0.00001; gnomAD exomes 0.00001; TOPMed 0.00001; ExAC 0.00002.

Submissions (3):

Labcorp Genetics (formerly Invitae), Labcorp
Classification: Uncertain significance for Mucopolysaccharidosis, MPS-III-A. Last evaluated: 2022-02-22. Review status: criteria provided, single submitter. Criteria: Invitae Variant Classification Sherloc (09022015). Collection method: clinical testing. Allele origin: germline.
Comment: This sequence change replaces proline, which is neutral and non-polar, with serine, which is neutral and polar, at codon 230 of the SGSH protein (p.Pro230Ser). This variant is present in population databases (rs756437160, gnomAD 0.006%). This variant has not been reported in the literature in individuals affected with SGSH-related conditions. ClinVar contains an entry for this variant (Variation ID: 571636). Algorithms developed to predict the effect of missense changes on protein structure and function are either unavailable or do not agree on the potential impact of this missense change (SIFT: "Tolerated"; PolyPhen-2: "Possibly Damaging"; Align-GVGD: "Class C0"). In summary, the available evidence is currently insufficient to determine the role of this variant in disease. Therefore, it has been classified as a Variant of Uncertain Significance.

Genome-Nilou Lab
Classification: Uncertain significance for Mucopolysaccharidosis, MPS-III-A. Last evaluated: 2021-11-07. Review status: criteria provided, single submitter. Criteria: ACMG Guidelines, 2015. Collection method: clinical testing. Allele origin: germline. Affected: no.

Natera, Inc.
Classification: Uncertain significance for Mucopolysaccharidosis type IIIA. Last evaluated: 2019-11-11. Review status: no assertion criteria provided. Collection method: clinical testing. Allele origin: germline. Not counted in ClinVar's aggregate classification.